The following is an entry in ClinVar:

NM_198578.4(LRRK2):c.1863A>G (p.Ile621Met)

Gene: LRRK2 (leucine rich repeat kinase 2; plus strand). Cytogenetic location: 12q12.
Variant type: single nucleotide variant.
Coding change: c.1863A>G on transcript NM_198578.4 (MANE Select); coding-DNA position 1863, A replaced by G.
Protein change: p.Ile621Met; replaces isoleucine 621 with methionine.
Molecular consequence: missense variant.
Genome position (GRCh38, 1-based): chr12:40,274,915, A>G. VCF-style: chr12-40274915-A-G. GRCh37 (hg19) VCF-style: chr12-40668717-A-G.
Other names: short protein forms I621M.
Identifiers: ClinVar variation 2447254 (VCV002447254.2), dbSNP rs2499625209, ClinGen allele CA384403436.

ClinVar aggregate classification (germline): Uncertain significance (1 of 4 stars; one submission).

Conditions:
Inborn genetic diseases. Identifiers: MedGen C0950123, MeSH D030342.

Allele frequency attached by ClinVar (database versions not stated): gnomAD exomes 0.00001.
gnomAD v4.1: 3 of 1,613,674 alleles (0.00019%); highest among the groups gnomAD compares: Non-Finnish European, 0.00025%; no homozygotes.

Submission:

Ambry Genetics
Classification: Uncertain significance for Inborn genetic diseases. Last evaluated: 2023-03-02. Review status: criteria provided, single submitter. Criteria: Ambry Variant Classification Scheme 2023. Collection method: clinical testing. Allele origin: germline.
Comment: The p.I621M variant (also known as c.1863A>G), located in coding exon 16 of the LRRK2 gene, results from an A to G substitution at nucleotide position 1863. The isoleucine at codon 621 is replaced by methionine, an amino acid with highly similar properties. This amino acid position is conserved. In addition, this alteration is predicted to be tolerated by in silico analysis. Since supporting evidence is limited at this time, the clinical significance of this alteration remains unclear.